The following is an entry in ClinVar:

ClinVar aggregate classification (germline): Conflicting classifications of pathogenicity. Review status: criteria provided, conflicting classifications (1 of 4 stars). 3 submissions from 3 submitters: Uncertain significance (2); Likely benign (1). Last evaluated 2026-01-18.

Conditions:
Epidermodysplasia verruciformis. Identifiers: Orphanet 302, MedGen C0014522, MONDO:0009176.
Inborn genetic diseases. Identifiers: MedGen C0950123, MeSH D030342.

Allele frequency attached by ClinVar (database versions not stated): gnomAD exomes 0.00003 and 0.00007; ExAC 0.00008; ESP Exome Variant Server 0.00015; gnomAD 0.00016 and 0.00018; TOPMed 0.00019; 1000 Genomes Project 30x 0.00047; 1000 Genomes Project 0.00060.
gnomAD v4.1: 69 of 1,611,242 alleles (0.0043%); highest among the groups gnomAD compares: African/African-American, 0.057%; no homozygotes.

Submissions (3):

Labcorp Genetics (formerly Invitae), Labcorp
Classification: Uncertain significance for Epidermodysplasia verruciformis. Last evaluated: 2026-01-18. Review status: criteria provided, single submitter. Criteria: Invitae Variant Classification Sherloc (09022015). Collection method: clinical testing. Allele origin: germline.
Comment: This sequence change replaces alanine, which is neutral and non-polar, with valine, which is neutral and non-polar, at codon 445 of the TMC6 protein (p.Ala445Val). This variant is present in population databases (rs148585370, gnomAD 0.06%). This variant has not been reported in the literature in individuals affected with TMC6-related conditions. ClinVar contains an entry for this variant (Variation ID: 1044215). An algorithm developed to predict the effect of missense changes on protein structure and function outputs the following: PolyPhen-2: "Benign". The valine amino acid residue is found in multiple mammalian species, which suggests that this missense change does not adversely affect protein function. In summary, the available evidence is currently insufficient to determine the role of this variant in disease. Therefore, it has been classified as a Variant of Uncertain Significance.

Blueprint Genetics
Classification: Likely benign. Last evaluated: 2024-10-16. Review status: criteria provided, single submitter. Criteria: ACMG Guidelines, 2015. Collection method: clinical testing. Allele origin: germline.

Ambry Genetics
Classification: Uncertain significance for Inborn genetic diseases. Last evaluated: 2022-01-26. Review status: criteria provided, single submitter. Criteria: Ambry Variant Classification Scheme 2023. Collection method: clinical testing. Allele origin: germline.

NM_001127198.5(TMC6):c.1334C>T (p.Ala445Val)

Gene: TMC6 (transmembrane channel like 6; minus strand). Cytogenetic location: 17q25.3.
Variant type: single nucleotide variant.
Coding change: c.1334C>T on transcript NM_001127198.5 (MANE Select); coding-DNA position 1334, C replaced by T.
Protein change: p.Ala445Val; replaces alanine 445 with valine.
Molecular consequence: missense variant.
Genome position (GRCh38, 1-based): chr17:78,121,605, G>A on the plus strand (C>T on the coding strand, the complement: TMC6 is on the minus strand). VCF-style: chr17-78121605-G-A. GRCh37 (hg19) VCF-style: chr17-76117686-G-A.
Other names: c.1334C>T (NM_007267.6); c.1334C>T, p.Ala445Val (NM_001321185.1, NM_001374593.1, NM_001374594.1 and 4 more transcripts); short protein forms A445V.
Identifiers: ClinVar variation 1044215 (VCV001044215.7), dbSNP rs148585370, ClinGen allele CA8795784.